The following is an entry in ClinVar:

ClinVar aggregate classification (germline): Uncertain significance (1 of 4 stars; one submission).

Submission:

CeGaT Center for Human Genetics Tuebingen
Classification: Uncertain significance. Last evaluated: 2026-03-01. Review status: criteria provided, single submitter. Criteria: CeGaT Center For Human Genetics Tuebingen Variant Classification Criteria Version 2. Collection method: clinical testing. Allele origin: germline. Affected: yes. Observed: 1 variant allele.
Comment: EIF2S3: PM2, PP2

NM_001415.4(EIF2S3):c.656C>T (p.Ala219Val)

Gene: EIF2S3 (eukaryotic translation initiation factor 2 subunit gamma; plus strand). Cytogenetic location: Xp22.11.
Variant type: single nucleotide variant.
Coding change: c.656C>T on transcript NM_001415.4 (MANE Select); coding-DNA position 656, C replaced by T.
Protein change: p.Ala219Val; replaces alanine 219 with valine.
Molecular consequence: missense variant.
Genome position (GRCh38, 1-based): chrX:24,064,219, C>T. VCF-style: chrX-24064219-C-T. GRCh37 (hg19) VCF-style: chrX-24082336-C-T.
Other names: short protein forms A219V.
Identifiers: ClinVar variation 4822170 (VCV004822170.4).